The following is an entry in ClinVar:

NM_000273.3(GPR143):c.703G>A (p.Glu235Lys)

Gene: GPR143 (G protein-coupled receptor 143; minus strand). Cytogenetic location: Xp22.2.
Variant type: single nucleotide variant.
Coding change: c.703G>A on transcript NM_000273.3 (MANE Select); coding-DNA position 703, G replaced by A.
Protein change: p.Glu235Lys; replaces glutamic acid 235 with lysine.
Molecular consequence: missense variant.
Genome position (GRCh38, 1-based): chrX:9,743,629, C>T on the plus strand (G>A on the coding strand, the complement: GPR143 is on the minus strand). VCF-style: chrX-9743629-C-T. GRCh37 (hg19) VCF-style: chrX-9711669-C-T.
Other names: short protein forms E235K.
Identifiers: ClinVar variation 2138471 (VCV002138471.6), dbSNP rs2518626831, ClinGen allele CA411996920.

ClinVar aggregate classification (germline): Pathogenic/Likely pathogenic. Review status: criteria provided, multiple submitters, no conflicts (2 of 4 stars). 3 submissions from 3 submitters: Pathogenic (1); Likely pathogenic (2). Last evaluated 2025-01-01.

Conditions:
Ocular albinism, type I (OA1). Also called: NETTLESHIP-FALLS TYPE OCULAR ALBINISM; Ocular albinism, type I, Nettleship-Falls type; Ocular Albinism type 1; X-linked recessive ocular albinism. Identifiers: Orphanet 54, MedGen C0342684, MONDO:0021019, OMIM 300500.
Nystagmus 6, congenital, X-linked (NYS6). Identifiers: MedGen C3151752, MONDO:0010435, OMIM 300814.
GPR143-related disorders.

Submissions (3):

Laboratory of Genetic Epidemiology, Research Centre for Medical Genetics
Classification: Likely pathogenic for Nystagmus 6, congenital, X-linked; Ocular albinism, type I. Last evaluated: 2025-01-01. Review status: criteria provided, single submitter. Criteria: ACMG Guidelines, 2015. Collection method: clinical testing. Allele origin: unknown. Inheritance: Autosomal recessive inheritance. Affected: yes. Observed: 1 hemizygote.
Comment: The missense variant NM_000273.3:c.703G>A, p.(Glu235Lys) was identified in hemizygous state in two male probands diagnosed with ocular albinism. This variant has been previously reported in the literature (PMIDs: 9529334, 33732697, 38219857), and is not listed in gnomAD v3.1.2. The affected amino acid position is evolutionarily conserved, and multiple in silico prediction tools support a deleterious effect. Taken together, the variant meets the following ACMG/AMP criteria and can be classified as likely pathogenic with PM2, PP3, PS3, PP5 criteria.

Labcorp Genetics (formerly Invitae), Labcorp
Classification: Pathogenic. Last evaluated: 2023-09-11. Review status: criteria provided, single submitter. Criteria: Invitae Variant Classification Sherloc (09022015). Collection method: clinical testing. Allele origin: germline.
Comment: For these reasons, this variant has been classified as Pathogenic. Experimental studies have shown that this missense change does not substantially affect GPR143 function (PMID: 11115845). Advanced modeling of protein sequence and biophysical properties (such as structural, functional, and spatial information, amino acid conservation, physicochemical variation, residue mobility, and thermodynamic stability) performed at Invitae indicates that this missense variant is expected to disrupt GPR143 protein function. ClinVar contains an entry for this variant (Variation ID: 2138471). This missense change has been observed in individuals with ocular albinism and infantile nystagmus (PMID: 9529334, 22486324, 26160353, 33732697). This variant is not present in population databases (gnomAD no frequency). This sequence change replaces glutamic acid, which is acidic and polar, with lysine, which is basic and polar, at codon 235 of the GPR143 protein (p.Glu235Lys).

Blueprint Genetics
Classification: Likely pathogenic for GPR143-related disorders. Last evaluated: 2021-08-25. Review status: criteria provided, single submitter. Criteria: ACMG Guidelines, 2015. Collection method: clinical testing. Allele origin: germline. Affected: yes. Observed: 1 variant allele.

Literature cited by the submitters: PubMed 9529334 (cited by Laboratory of Genetic Epidemiology, Research Centre for Medical Genetics and Labcorp Genetics (formerly Invitae), Labcorp); PubMed 33732697 (cited by Laboratory of Genetic Epidemiology, Research Centre for Medical Genetics and Labcorp Genetics (formerly Invitae), Labcorp); PubMed 38219857 (cited by Laboratory of Genetic Epidemiology, Research Centre for Medical Genetics); PubMed 41428507 (cited by Laboratory of Genetic Epidemiology, Research Centre for Medical Genetics); PubMed 11115845 (cited by Labcorp Genetics (formerly Invitae), Labcorp); PubMed 22486324 (cited by Labcorp Genetics (formerly Invitae), Labcorp); PubMed 26160353 (cited by Labcorp Genetics (formerly Invitae), Labcorp).